The following is an entry in ClinVar:

ClinVar aggregate classification (germline): Likely benign. Review status: criteria provided, multiple submitters, no conflicts (2 of 4 stars). 3 submissions from 3 submitters: Likely benign (3). Last evaluated 2026-06-01.

Conditions:
SLX4-related disorder. Also called: SLX4-related condition.
Fanconi anemia (FA). Also called: Fanconi's anemia. Identifiers: Orphanet 84, MedGen C0015625, MeSH D005199, MONDO:0019391.

Allele frequency attached by ClinVar (database versions not stated): gnomAD exomes 0.00001 and 0.00002; TOPMed 0.00001.
gnomAD v4.1: 19 of 1,613,454 alleles (0.0012%); highest among the groups gnomAD compares: Middle Eastern, 0.017%; no homozygotes.

Submissions (3):

PreventionGenetics, part of Exact Sciences
Classification: Likely benign for SLX4-related condition. Last evaluated: 2026-06-01. Review status: criteria provided, single submitter. Criteria: ACMG Guidelines, 2015. Collection method: clinical testing. Allele origin: germline.
Comment: This variant is classified as likely benign based on ACMG/AMP sequence variant interpretation guidelines (Richards et al. 2015 PMID: 25741868, with internal and published modifications).

Labcorp Genetics (formerly Invitae), Labcorp
Classification: Likely benign for Fanconi anemia. Last evaluated: 2025-09-03. Review status: criteria provided, single submitter. Criteria: Invitae Variant Classification Sherloc (09022015). Collection method: clinical testing. Allele origin: germline.

Blueprint Genetics
Classification: Likely benign. Last evaluated: 2024-11-12. Review status: criteria provided, single submitter. Criteria: ACMG Guidelines, 2015. Collection method: clinical testing. Allele origin: germline.

NM_032444.4(SLX4):c.3846G>A (p.Leu1282=)

Gene: SLX4 (SLX4 structure-specific endonuclease subunit; minus strand). Cytogenetic location: 16p13.3.
Variant type: single nucleotide variant.
Coding change: c.3846G>A on transcript NM_032444.4 (MANE Select); coding-DNA position 3846, G replaced by A.
Protein change: p.Leu1282=; no amino-acid change (leucine 1282 retained).
Molecular consequence: synonymous variant.
Genome position (GRCh38, 1-based): chr16:3,589,792, C>T on the plus strand (G>A on the coding strand, the complement: SLX4 is on the minus strand). VCF-style: chr16-3589792-C-T. GRCh37 (hg19) VCF-style: chr16-3639793-C-T.
Other names: c.3846G>A (NM_032444.3).
Identifiers: ClinVar variation 1614078 (VCV001614078.10), dbSNP rs1040333386, ClinGen allele CA276958721.